The following is an entry in ClinVar:

ClinVar aggregate classification (germline): Pathogenic/Likely pathogenic. Review status: criteria provided, multiple submitters, no conflicts (2 of 4 stars). 2 submissions from 2 submitters: Pathogenic (1); Likely pathogenic (1). Last evaluated 2026-07-14.

Conditions:
GYS2-related disorders.
Glycogen storage disease. Also called: glycogen storage disorder; Disorder of glycogen metabolism. Identifiers: Orphanet 79201, MedGen C0017919, MONDO:0002412.

Allele frequency attached by ClinVar (database versions not stated): gnomAD 0.00001; gnomAD exomes 0.00002; TOPMed 0.00002; ExAC 0.00003; 1000 Genomes Project 30x 0.00016; 1000 Genomes Project 0.00020.
gnomAD v4.1: 55 of 1,585,162 alleles (0.0035%); highest among the groups gnomAD compares: Middle Eastern, 0.017%; no homozygotes.

Submissions (2):

North West Genomic Laboratory Hub, Manchester University NHS Foundation Trust
Classification: Pathogenic for Glycogen storage disease. Last evaluated: 2026-07-14. Review status: criteria provided, single submitter. Criteria: ACGS Best Practice Guidelines for Variant Classification in Rare Disease 2024. Collection method: clinical testing. Allele origin: germline. Affected: yes.
Comment: PM2_Mod PVS1_VStr PP4_Supp

Blueprint Genetics
Classification: Likely pathogenic for GYS2-related disorders. Last evaluated: 2023-09-20. Review status: criteria provided, single submitter. Criteria: ACMG Guidelines, 2015. Collection method: clinical testing. Allele origin: germline. Affected: yes. Observed: 2 variant alleles.

NM_021957.4(GYS2):c.1423-1G>A

Gene: GYS2 (glycogen synthase 2; minus strand). Cytogenetic location: 12p12.1.
Variant type: single nucleotide variant.
Coding change: c.1423-1G>A on transcript NM_021957.4 (MANE Select); the canonical splice acceptor site of the intron before coding-DNA position 1423, G replaced by A.
Molecular consequence: splice acceptor variant.
Genome position (GRCh38, 1-based): chr12:21,546,471, C>T on the plus strand (G>A on the coding strand, the complement: GYS2 is on the minus strand). VCF-style: chr12-21546471-C-T. GRCh37 (hg19) VCF-style: chr12-21699405-C-T.
Identifiers: ClinVar variation 4871728 (VCV004871728.2), dbSNP rs202043849.